The following is an entry in ClinVar:

ClinVar aggregate classification (germline): Pathogenic/Likely pathogenic. Review status: criteria provided, multiple submitters, no conflicts (2 of 4 stars). 3 submissions from 3 submitters: Pathogenic (1); Likely pathogenic (1). 1 of the submissions does not count toward it. Last evaluated 2025-09-08.

Conditions:
Neuromuscular disease caused by qualitative or quantitative defects of dysferlin. Also called: Dysferlinopathy; Qualitative or quantitative defects of dysferlin. Identifiers: Orphanet 207073, MedGen C2931687, MONDO:0016145.
DYSF-related disorder. Also called: DYSF-related disorders; DYSF-related condition.
Autosomal recessive limb-girdle muscular dystrophy type 2B (LGMDR2). Also called: Limb-Girdle Muscular Dystrophy Type 2B (LGMD2B); MUSCULAR DYSTROPHY, LIMB-GIRDLE, TYPE 3; Limb-girdle muscular dystrophy, type 2B; MUSCULAR DYSTROPHY, LIMB-GIRDLE, AUTOSOMAL RECESSIVE 2. Identifiers: Orphanet 268, MedGen C1850889, MONDO:0009676, OMIM 253601.

gnomAD v4.1: 1 of 1,613,318 alleles (0.000062%); highest among the groups gnomAD compares: Admixed American, 0.0017%; no homozygotes.

Submissions (3):

Labcorp Genetics (formerly Invitae), Labcorp
Classification: Pathogenic for Neuromuscular disease caused by qualitative or quantitative defects of dysferlin. Last evaluated: 2025-09-08. Review status: criteria provided, single submitter. Criteria: Invitae Variant Classification Sherloc (09022015). Collection method: clinical testing. Allele origin: germline.
Comment: This sequence change creates a premature translational stop signal (p.Glu1464*) in the DYSF gene. It is expected to result in an absent or disrupted protein product. Loss-of-function variants in DYSF are known to be pathogenic (PMID: 17698709, 20301480). This variant is not present in population databases (gnomAD no frequency). This premature translational stop signal has been observed in individual(s) with DYSF-related conditions (PMID: 16996541). ClinVar contains an entry for this variant (Variation ID: 665762). For these reasons, this variant has been classified as Pathogenic.

Blueprint Genetics
Classification: Likely pathogenic for DYSF-related disorders. Last evaluated: 2018-08-28. Review status: criteria provided, single submitter. Criteria: ACMG Guidelines, 2015. Collection method: clinical testing. Allele origin: germline. Affected: yes. Observed: 1 variant allele.

Natera, Inc.
Classification: Pathogenic for Limb-girdle muscular dystrophy type 2B. Last evaluated: 2020-07-16. Review status: no assertion criteria provided. Collection method: clinical testing. Allele origin: germline. Not counted in ClinVar's aggregate classification.

Literature cited by the submitters: PubMed 17698709 (cited by Labcorp Genetics (formerly Invitae), Labcorp); PubMed 20301480 (cited by Labcorp Genetics (formerly Invitae), Labcorp); PubMed 16996541 (cited by Labcorp Genetics (formerly Invitae), Labcorp).

NM_001130987.2(DYSF):c.4444G>T (p.Glu1482Ter)

Gene: DYSF (dysferlin; plus strand). Cytogenetic location: 2p13.2.
Variant type: single nucleotide variant.
Coding change: c.4444G>T on transcript NM_001130987.2 (MANE Select); coding-DNA position 4444, G replaced by T.
Protein change: p.Glu1482Ter; replaces glutamic acid 1482 with a stop codon.
Molecular consequence: nonsense.
Genome position (GRCh38, 1-based): chr2:71,613,390, G>T. VCF-style: chr2-71613390-G-T. GRCh37 (hg19) VCF-style: chr2-71840520-G-T.
Other names: c.4393G>T, p.Glu1465Ter (NM_001130455.2, NM_001130983.2); c.4348G>T, p.Glu1450Ter (NM_001130976.2, NM_001130977.2); c.4390G>T, p.Glu1464Ter (NM_001130978.2, NM_003494.4); c.4483G>T, p.Glu1495Ter (NM_001130979.2); c.4441G>T, p.Glu1481Ter (NM_001130980.2, NM_001130981.2); c.4486G>T, p.Glu1496Ter (NM_001130982.2); c.4351G>T, p.Glu1451Ter (NM_001130984.2, NM_001130986.2); c.4444G>T, p.Glu1482Ter (NM_001130985.2); short protein forms E1465*, E1464*, E1481*, E1482*, E1450*, E1451*, E1495*, E1496*.
Identifiers: ClinVar variation 665762 (VCV000665762.13), dbSNP rs1574354515, ClinGen allele CA347229643.
Genomic context (GRCh38, chr2:71,613,390, plus strand): 5'-GCAGACGATGTGAGCCTACTCAGTCCTGGGGAAGACGTGCTCATCGACATTGATGACAAG[G>T]AGCCCCTCATCCCCATCCAGGTAGGATGGGCATCCTCCAGGGAGGCCTGGGTCACCTTTC-3'